The following is an entry in ClinVar:

ClinVar aggregate classification (germline): Likely benign. Review status: criteria provided, multiple submitters, no conflicts (2 of 4 stars). 2 submissions from 2 submitters: Likely benign (2). Last evaluated 2025-11-10.

Conditions:
Sclerosteosis 2 (SOST2). Identifiers: Orphanet 3152, MedGen C3280402, MONDO:0013679, OMIM 614305.
Cenani-Lenz syndactyly syndrome. Also called: SYNDACTYLY, TYPE VII; CENANI SYNDACTYLISM. Identifiers: Orphanet 3258, MedGen C1859309, MONDO:0008931, OMIM 212780.
Congenital myasthenic syndrome 17. Identifiers: Orphanet 590, MedGen C4225377, MONDO:0014578, OMIM 616304.

Allele frequency attached by ClinVar (database versions not stated): gnomAD 0.00001; gnomAD exomes 0.00001; TOPMed 0.00001.
gnomAD v4.1: 21 of 1,614,036 alleles (0.0013%); highest among the groups gnomAD compares: Non-Finnish European, 0.0017%; no homozygotes.

Submissions (2):

Labcorp Genetics (formerly Invitae), Labcorp
Classification: Likely benign for Cenani-Lenz syndactyly syndrome; Sclerosteosis 2; Congenital myasthenic syndrome 17. Last evaluated: 2025-11-10. Review status: criteria provided, single submitter. Criteria: Invitae Variant Classification Sherloc (09022015). Collection method: clinical testing. Allele origin: germline.

CeGaT Center for Human Genetics Tuebingen
Classification: Likely benign. Last evaluated: 2023-01-01. Review status: criteria provided, single submitter. Criteria: CeGaT Center For Human Genetics Tuebingen Variant Classification Criteria Version 2. Collection method: clinical testing. Allele origin: germline. Affected: yes. Observed: 1 variant allele.
Comment: LRP4: BP4, BP7

NM_002334.4(LRP4):c.1344C>T (p.Ile448=)

Gene: LRP4 (LDL receptor related protein 4; minus strand). Cytogenetic location: 11p11.2.
Variant type: single nucleotide variant.
Coding change: c.1344C>T on transcript NM_002334.4 (MANE Select); coding-DNA position 1344, C replaced by T.
Protein change: p.Ile448=; no amino-acid change (isoleucine 448 retained).
Molecular consequence: synonymous variant.
Genome position (GRCh38, 1-based): chr11:46,894,785, G>A on the plus strand (C>T on the coding strand, the complement: LRP4 is on the minus strand). VCF-style: chr11-46894785-G-A. GRCh37 (hg19) VCF-style: chr11-46916336-G-A.
Identifiers: ClinVar variation 798580 (VCV000798580.32), dbSNP rs748651620, ClinGen allele CA5970169.